The following is an entry in ClinVar:

ClinVar aggregate classification (germline): Uncertain significance (1 of 4 stars; one submission).

Conditions:
COL1A2-related disorder. Also called: COL1A2-Related Disorders; COL1A2-related condition.

Submission:

PreventionGenetics, part of Exact Sciences
Classification: Uncertain significance for COL1A2-related condition. Last evaluated: 2025-09-22. Review status: criteria provided, single submitter. Criteria: ACMG Guidelines, 2015. Collection method: clinical testing. Allele origin: germline.
Comment: The COL1A2 c.2294C>A variant is predicted to result in the amino acid substitution p.Ala765Asp. To our knowledge, this variant has not been reported in the literature. This variant is reported in 0.0077% of alleles in individuals of African descent in gnomAD. At this time, the clinical significance of this variant is uncertain due to the absence of conclusive functional and genetic evidence.

NM_000089.4(COL1A2):c.2294C>A (p.Ala765Asp)

Gene: COL1A2 (collagen type I alpha 2 chain; plus strand). Cytogenetic location: 7q21.3.
Variant type: single nucleotide variant.
Coding change: c.2294C>A on transcript NM_000089.4 (MANE Select); coding-DNA position 2294, C replaced by A.
Protein change: p.Ala765Asp; replaces alanine 765 with aspartic acid.
Molecular consequence: missense variant.
Genome position (GRCh38, 1-based): chr7:94,420,647, C>A. VCF-style: chr7-94420647-C-A. GRCh37 (hg19) VCF-style: chr7-94049959-C-A.
Other names: short protein forms A765D.
Identifiers: ClinVar variation 4977511 (VCV004977511.1).